The following is an entry in ClinVar:

NM_001142800.2(EYS):c.10A>T (p.Lys4Ter)

Gene: EYS (EGF-like photoreceptor maintenance factor; minus strand). Cytogenetic location: 6q12.
Variant type: single nucleotide variant.
Coding change: c.10A>T on transcript NM_001142800.2 (MANE Select); coding-DNA position 10, A replaced by T.
Protein change: p.Lys4Ter; replaces lysine 4 with a stop codon.
Molecular consequence: nonsense.
Genome position (GRCh38, 1-based): chr6:65,495,401, T>A on the plus strand (A>T on the coding strand, the complement: EYS is on the minus strand). VCF-style: chr6-65495401-T-A. GRCh37 (hg19) VCF-style: chr6-66205294-T-A.
Other names: c.10A>T, p.Lys4Ter (NM_001142801.2, NM_001292009.2, NM_198283.2); short protein forms K4*.
Identifiers: ClinVar variation 2115697 (VCV002115697.4), dbSNP rs1766221897, ClinGen allele CA364790845.

ClinVar aggregate classification (germline): Pathogenic (1 of 4 stars; one submission).

Submission:

Labcorp Genetics (formerly Invitae), Labcorp
Classification: Pathogenic. Last evaluated: 2022-03-21. Review status: criteria provided, single submitter. Criteria: Invitae Variant Classification Sherloc (09022015). Collection method: clinical testing. Allele origin: germline.
Comment: This sequence change creates a premature translational stop signal (p.Lys4*) in the EYS gene. It is expected to result in an absent or disrupted protein product. Loss-of-function variants in EYS are known to be pathogenic (PMID: 18836446, 20333770). This variant is not present in population databases (gnomAD no frequency). This variant has not been reported in the literature in individuals affected with EYS-related conditions. For these reasons, this variant has been classified as Pathogenic.

Literature cited by the submitters: PubMed 18836446; PubMed 20333770.